The following is an entry in ClinVar:

ClinVar aggregate classification (germline): Uncertain significance (1 of 4 stars; one submission).

Conditions:
Inborn genetic diseases. Identifiers: MedGen C0950123, MeSH D030342.

Submission:

Ambry Genetics
Classification: Uncertain significance for Inborn genetic diseases. Last evaluated: 2024-09-15. Review status: criteria provided, single submitter. Criteria: Ambry Variant Classification Scheme 2023. Collection method: clinical testing. Allele origin: germline.
Comment: The p.A70G variant (also known as c.209C>G), located in coding exon 1 of the ACD gene, results from a C to G substitution at nucleotide position 209. The alanine at codon 70 is replaced by glycine, an amino acid with similar properties. This amino acid position is conserved. In addition, this alteration is predicted to be tolerated by in silico analysis. Based on the available evidence, the clinical significance of this variant remains unclear.

NM_001082486.1(ACD):c.209C>G (p.Ala70Gly)

Gene: ACD (ACD shelterin complex subunit and telomerase recruitment factor; minus strand). Cytogenetic location: 16q22.1.
Variant type: single nucleotide variant.
Coding change: c.209C>G on transcript NM_001082486.1; coding-DNA position 209, C replaced by G.
Protein change: p.Ala70Gly; replaces alanine 70 with glycine.
Genome position (GRCh38, 1-based): chr16:67,660,270, G>C on the plus strand (C>G on the coding strand, the complement: ACD is on the minus strand). VCF-style: chr16-67660270-G-C. GRCh37 (hg19) VCF-style: chr16-67694173-G-C.
Other names: short protein forms A70G.
Identifiers: ClinVar variation 3480270 (VCV003480270.1).